The following is an entry in ClinVar:

ClinVar aggregate classification (germline): Uncertain significance. Review status: criteria provided, multiple submitters, no conflicts (2 of 4 stars). 2 submissions from 2 submitters: Uncertain significance (2). Last evaluated 2024-10-22.

Conditions:
Familial sleep-related hypermotor epilepsy. Also called: Autosomal Dominant Sleep-Related Hypermotor (Hyperkinetic) Epilepsy. Identifiers: Orphanet 98784, MedGen C3696898, MONDO:0000030.

Allele frequency attached by ClinVar (database versions not stated): gnomAD 0.00007 and 0.00006; 1000 Genomes Project 0.00060; 1000 Genomes Project 30x 0.00062; gnomAD exomes 0.00002; TOPMed 0.00003; ExAC 0.00004.

Submissions (2):

Labcorp Genetics (formerly Invitae), Labcorp
Classification: Uncertain significance. Last evaluated: 2024-10-22. Review status: criteria provided, single submitter. Criteria: Invitae Variant Classification Sherloc (09022015). Collection method: clinical testing. Allele origin: germline.
Comment: This sequence change replaces proline, which is neutral and non-polar, with leucine, which is neutral and non-polar, at codon 528 of the CHRNA4 protein (p.Pro528Leu). This variant is present in population databases (rs201739273, gnomAD 0.03%). This variant has not been reported in the literature in individuals affected with CHRNA4-related conditions. ClinVar contains an entry for this variant (Variation ID: 373182). Invitae Evidence Modeling of protein sequence and biophysical properties (such as structural, functional, and spatial information, amino acid conservation, physicochemical variation, residue mobility, and thermodynamic stability) indicates that this missense variant is not expected to disrupt CHRNA4 protein function with a negative predictive value of 80%. In summary, the available evidence is currently insufficient to determine the role of this variant in disease. Therefore, it has been classified as a Variant of Uncertain Significance.

GeneDx
Classification: Uncertain significance. Last evaluated: 2016-11-11. Review status: criteria provided, single submitter. Criteria: GeneDx Variant Classification (06012015). Collection method: clinical testing. Allele origin: germline. Affected: yes.
Comment: A variant of uncertain significance has been identified in the CHRNA4 gene. The P528L variant has not been published as a pathogenic variant, nor has it been reported as a benign variant to our knowledge. It was not observed in approximately 6,500 individuals of European and African American ancestry in the NHLBI Exome Sequencing Project, indicating it is not a common benign variant in these populations, but the 1000 Genomes Project reports P528L was observed in 1/192 (0.5%) alleles from individuals of African Caribbean background. The P528L variant is a semi-conservative amino acid substitution, which may impact secondary protein structure as these residues differ in some properties. However, this substitution occurs at a position that is not conserved and in silico analysis predicts this variant likely does not alter the protein structure/function. Additionally, this amino acid substitution is not predicted to occur within the transmembrane region of the protein, where the vast majority of pathogenic missense variants have been identified in association with epilepsy (Steinlein et al., 2010). Therefore, based on the currently available information, it is unclear whether this variant is a pathogenic variant or a rare benign variant.

NM_000744.7(CHRNA4):c.1583C>T (p.Pro528Leu)

Gene: CHRNA4 (cholinergic receptor nicotinic alpha 4 subunit; minus strand). Cytogenetic location: 20q13.33.
Variant type: single nucleotide variant.
Coding change: c.1583C>T on transcript NM_000744.7 (MANE Select); coding-DNA position 1583, C replaced by T.
Protein change: p.Pro528Leu; replaces proline 528 with leucine.
Molecular consequence: missense variant. On other transcripts: non-coding transcript variant (1).
Genome position (GRCh38, 1-based): chr20:63,349,828, G>A on the plus strand (C>T on the coding strand, the complement: CHRNA4 is on the minus strand). VCF-style: chr20-63349828-G-A. GRCh37 (hg19) VCF-style: chr20-61981180-G-A.
Other names: c.1055C>T, p.Pro352Leu (NM_001256573.2); short protein forms P528L, P352L.
Identifiers: ClinVar variation 373182 (VCV000373182.10), dbSNP rs201739273, ClinGen allele CA9957571.